The following is an entry in ClinVar:

NM_001042492.3(NF1):c.3564A>G (p.Gln1188=)

Gene: NF1 (neurofibromin 1; plus strand). Cytogenetic location: 17q11.2.
Variant type: single nucleotide variant.
Coding change: c.3564A>G on transcript NM_001042492.3 (MANE Select); coding-DNA position 3564, A replaced by G.
Protein change: p.Gln1188=; no amino-acid change (glutamine 1188 retained).
Molecular consequence: synonymous variant.
Genome position (GRCh38, 1-based): chr17:31,233,069, A>G. VCF-style: chr17-31233069-A-G. GRCh37 (hg19) VCF-style: chr17-29560087-A-G.
Other names: c.3564A>G, p.Gln1188= (NM_000267.4).
Identifiers: ClinVar variation 231644 (VCV000231644.14), dbSNP rs777859444, ClinGen allele CA8486194.
Genomic context (GRCh38, chr17:31,233,069, plus strand): 5'-TTACCACAAGGATCTCCAGACAAGAGCTACATTTATGGAAGTTCTGACAAAAATCCTTCA[A>G]CAAGGCACAGAATTTGACACACTTGCAGAAACAGTATTGGCTGATCGGTTTGAGAGATTG-3'
Protein context (NP_001035957.1, residues 1178-1198): TFMEVLTKIL[Gln1188=]QGTEFDTLAE

ClinVar aggregate classification (germline): Benign/Likely benign. Review status: criteria provided, multiple submitters, no conflicts (2 of 4 stars). 4 submissions from 4 submitters: Benign (1); Likely benign (3). Last evaluated 2026-05-20.

Conditions:
Hereditary cancer-predisposing syndrome. Also called: Hereditary neoplastic syndrome; Neoplastic Syndromes, Hereditary; Hereditary Cancer Syndrome; Tumor predisposition. Identifiers: Orphanet 140162, MedGen C0027672, MeSH D009386, MONDO:0015356.
Neurofibromatosis, type 1 (NF1). Also called: NEUROFIBROMATOSIS, TYPE I, SOMATIC; Neurofibromatosis, type I; VON RECKLINGHAUSEN DISEASE; Peripheral type neurofibromatosis. Identifiers: Orphanet 636, MedGen C0027831, MONDO:0018975, OMIM 162200. Disease mechanism: loss of function.

Allele frequency attached by ClinVar (database versions not stated): gnomAD exomes 0.00001; gnomAD 0.00001; TOPMed below 0.00001; ExAC 0.00001.
gnomAD v4.1: 9 of 1,614,104 alleles (0.00056%); highest among the groups gnomAD compares: East Asian, 0.013%; no homozygotes.

Submissions (4):

Myriad Genetics, Inc.
Classification: Benign for Neurofibromatosis, type 1. Last evaluated: 2026-05-20. Review status: criteria provided, single submitter. Criteria: Myriad Autosomal Dominant, Autosomal Recessive and X-Linked Classification Criteria (2023). Collection method: clinical testing. Allele origin: unknown.
Comment: This variant is considered benign. This variant is a silent/synonymous amino acid change and it is not expected to impact splicing.

Labcorp Genetics (formerly Invitae), Labcorp
Classification: Likely benign for Neurofibromatosis, type 1. Last evaluated: 2025-11-26. Review status: criteria provided, single submitter. Criteria: Invitae Variant Classification Sherloc (09022015). Collection method: clinical testing. Allele origin: germline.

Genome-Nilou Lab
Classification: Likely benign for Neurofibromatosis, type 1. Last evaluated: 2022-03-15. Review status: criteria provided, single submitter. Criteria: ACMG Guidelines, 2015. Collection method: clinical testing. Allele origin: germline. Affected: no.

Ambry Genetics
Classification: Likely benign for Hereditary cancer-predisposing syndrome. Last evaluated: 2015-05-17. Review status: criteria provided, single submitter. Criteria: Ambry Autosomal Dominant and X-Linked criteria (10/2015). Collection method: clinical testing. Allele origin: germline. Observed: 1 variant allele.